The following is an entry in ClinVar:

NM_001273.5(CHD4):c.2122-5_2122-4delinsC

Gene: CHD4 (chromodomain helicase DNA binding protein 4; minus strand). Cytogenetic location: 12p13.31.
Variant type: Indel.
Coding change: c.2122-5_2122-4delinsC on transcript NM_001273.5 (MANE Select); 5 bases into the intron before coding-DNA position 2122 through 4 bases into the intron before coding-DNA position 2122, TT replaced by C.
Molecular consequence: intron variant.
Genome position (GRCh38, 1-based): chr12:6,594,654-6,594,655, AA replaced by G on the plus strand (TT replaced by C on the coding strand, the reverse complement: CHD4 is on the minus strand). VCF-style: chr12-6594654-AA-G. GRCh37 (hg19) VCF-style: chr12-6703820-AA-G.
Other names: c.2083-5_2083-4delinsC (NM_001363606.2); c.2101-5_2101-4delinsC (NM_001297553.2).
Identifiers: ClinVar variation 508420 (VCV000508420.1), dbSNP rs1555171364, ClinGen allele CA658797836.

ClinVar aggregate classification (germline): Likely benign (1 of 4 stars; one submission).

Submission:

GeneDx
Classification: Likely benign. Last evaluated: 2017-03-21. Review status: criteria provided, single submitter. Criteria: GeneDx Variant Classification (06012015). Collection method: clinical testing. Allele origin: germline. Affected: yes.
Comment: This variant is considered likely benign or benign based on one or more of the following criteria: it is a conservative change, it occurs at a poorly conserved position in the protein, it is predicted to be benign by multiple in silico algorithms, and/or has population frequency not consistent with disease.